The following is an entry in ClinVar:

ClinVar aggregate classification (germline): Conflicting classifications of pathogenicity. Review status: criteria provided, conflicting classifications (1 of 4 stars). 5 submissions from 5 submitters: Uncertain significance (2); Benign (1); Likely benign (1). 1 of the submissions does not count toward it. Last evaluated 2026-01-26.

Conditions:
CNGA1-related disorder. Also called: CNGA1-related condition.
Retinitis pigmentosa (RP). Identifiers: Orphanet 791, MedGen C0035334, MeSH D012174, MONDO:0019200, OMIM 268000. Inheritance: Autosomal dominant, autosomal recessive and X linked inheritance.

Allele frequency attached by ClinVar (database versions not stated): gnomAD exomes 0.00021 and 0.00051; ExAC 0.00063; ESP Exome Variant Server 0.00141; 1000 Genomes Project 30x 0.00172; 1000 Genomes Project 0.00180; gnomAD 0.00196 and 0.00205; TOPMed 0.00210.
gnomAD v4.1: 615 of 1,614,152 alleles (0.038%); highest among the groups gnomAD compares: African/African-American, 0.65%; 1 homozygote.

Submissions (5):

Labcorp Genetics (formerly Invitae), Labcorp
Classification: Benign. Last evaluated: 2026-01-26. Review status: criteria provided, single submitter. Criteria: Invitae Variant Classification Sherloc (09022015). Collection method: clinical testing. Allele origin: germline.

Blueprint Genetics
Classification: Likely benign. Last evaluated: 2024-09-13. Review status: criteria provided, single submitter. Criteria: ACMG Guidelines, 2015. Collection method: clinical testing. Allele origin: germline.

Illumina Laboratory Services, Illumina
Classification: Uncertain significance for Retinitis pigmentosa. Last evaluated: 2018-01-12. Review status: criteria provided, single submitter. Criteria: ICSL Variant Classification Criteria 13 December 2019. Collection method: clinical testing. Allele origin: germline.

Eurofins Ntd Llc (ga)
Classification: Uncertain significance. Last evaluated: 2016-05-20. Review status: criteria provided, single submitter. Criteria: EGL Classification Definitions 2015. Collection method: clinical testing. Allele origin: germline. Observed: 1 variant allele, 1 heterozygote.

PreventionGenetics, part of Exact Sciences
Classification: Likely benign for CNGA1-related condition. Last evaluated: 2019-08-26. Review status: no assertion criteria provided. Collection method: clinical testing. Allele origin: germline. Not counted in ClinVar's aggregate classification.
Comment: This variant is classified as likely benign based on ACMG/AMP sequence variant interpretation guidelines (Richards et al. 2015 PMID: 25741868, with internal and published modifications).

NM_001379270.1(CNGA1):c.1031A>G (p.Lys344Arg)

Genes: CNGA1 (cyclic nucleotide gated channel subunit alpha 1; minus strand), LOC101927157 (uncharacterized LOC101927157; plus strand). Cytogenetic location: 4p12.
Variant type: single nucleotide variant.
Coding change: c.1031A>G on transcript NM_001379270.1 (MANE Select); coding-DNA position 1031, A replaced by G.
Protein change: p.Lys344Arg; replaces lysine 344 with arginine.
Molecular consequence: missense variant.
Genome position (GRCh38, 1-based): chr4:47,937,451, T>C on the plus strand (A>G on the coding strand, the complement: CNGA1 is on the minus strand). VCF-style: chr4-47937451-T-C. GRCh37 (hg19) VCF-style: chr4-47939468-T-C.
Other names: c.1031A>G, p.Lys344Arg (NM_000087.5, NM_001142564.2); short protein forms K344R.
Identifiers: ClinVar variation 287580 (VCV000287580.21), dbSNP rs140419673, ClinGen allele CA2911149.